The following is an entry in ClinVar:

ClinVar aggregate classification (germline): Pathogenic/Likely pathogenic. Review status: criteria provided, multiple submitters, no conflicts (2 of 4 stars). 3 submissions from 3 submitters: Pathogenic (1); Likely pathogenic (1). 1 of the submissions does not count toward it. Last evaluated 2024-12-17.

Conditions:
Tuberous sclerosis syndrome (TSC). Also called: Tuberous Sclerosis Complex; Tuberous sclerosis. Identifiers: Orphanet 805, MedGen C0041341, MONDO:0001734.
Tuberous sclerosis 2 (TSC2). Identifiers: Orphanet 805, MedGen C1860707, MONDO:0013199, OMIM 613254.

Submissions (3):

Labcorp Genetics (formerly Invitae), Labcorp
Classification: Likely pathogenic for Tuberous sclerosis 2. Last evaluated: 2024-12-17. Review status: criteria provided, single submitter. Criteria: Invitae Variant Classification Sherloc (09022015). Collection method: clinical testing. Allele origin: germline.
Comment: This sequence change affects codon 914 of the TSC2 mRNA. It is a 'silent' change, meaning that it does not change the encoded amino acid sequence of the TSC2 protein. This variant also falls at the last nucleotide of exon 24, which is part of the consensus splice site for this exon. This variant is not present in population databases (gnomAD no frequency). This variant has been observed in individual(s) with clinical features of tuberous sclerosis complex (PMID: 12015165; internal data). ClinVar contains an entry for this variant (Variation ID: 50103). Variants that disrupt the consensus splice site are a relatively common cause of aberrant splicing (PMID: 17576681, 9536098). Algorithms developed to predict the effect of sequence changes on RNA splicing suggest that this variant may disrupt the consensus splice site. In summary, the currently available evidence indicates that the variant is pathogenic, but additional data are needed to prove that conclusively. Therefore, this variant has been classified as Likely Pathogenic.

GeneDx
Classification: Pathogenic. Last evaluated: 2022-12-02. Review status: criteria provided, single submitter. Criteria: GeneDx Variant Classification Process June 2021. Collection method: clinical testing. Allele origin: germline. Affected: yes.
Comment: Alters the last nucleotide of the exon and is predicted to destroy the splice donor site and result in aberrant splicing, although in the absence of functional evidence the actual effect of this sequence change is unknown; Not observed at significant frequency in large population cohorts (gnomAD); This variant is associated with the following publications: (PMID: 12015165)

Tuberous sclerosis database (TSC2)
No classification provided. Condition: TSC. Review status: no classification provided. Criteria: Tuberous Sclerosis Database Assertion Criteria 2015. Collection method: curation. Allele origin: germline. Affected: yes. Not counted in ClinVar's aggregate classification.

Literature cited by the submitters: PubMed 12015165 (cited by Labcorp Genetics (formerly Invitae), Labcorp); PubMed 17576681 (cited by Labcorp Genetics (formerly Invitae), Labcorp); PubMed 9536098 (cited by Labcorp Genetics (formerly Invitae), Labcorp).

NM_000548.5(TSC2):c.2742G>A (p.Lys914=)

Gene: TSC2 (TSC complex subunit 2; plus strand). Cytogenetic location: 16p13.3.
Variant type: single nucleotide variant.
Coding change: c.2742G>A on transcript NM_000548.5 (MANE Select); coding-DNA position 2742, G replaced by A.
Protein change: p.Lys914=; no amino-acid change (lysine 914 retained).
Molecular consequence: synonymous variant.
Genome position (GRCh38, 1-based): chr16:2,076,170, G>A. VCF-style: chr16-2076170-G-A. GRCh37 (hg19) VCF-style: chr16-2126171-G-A.
Other names: c.2742G>A, p.Lys914= (NM_001077183.3, NM_001114382.3, NM_001363528.2 and 3 more transcripts); c.2631G>A, p.Lys877= (NM_001318827.2); c.2595G>A, p.Lys865= (NM_001318829.2); c.2142G>A, p.Lys714= (NM_001318831.2); c.2775G>A, p.Lys925= (NM_001318832.2).
Identifiers: ClinVar variation 50103 (VCV000050103.7), dbSNP rs137854877, ClinGen allele CA018006.